The following is an entry in ClinVar:

ClinVar aggregate classification (germline): Benign (1 of 4 stars; one submission).

Conditions:
Tay-Sachs disease, variant AB. Also called: GM2 Activator Deficiency; Gm2-gangliosidosis, ab variant. Identifiers: Orphanet 309246, MedGen C0268275, MONDO:0010099, OMIM 272750.

Allele frequency attached by ClinVar (database versions not stated): gnomAD exomes 0.62190; gnomAD 0.64518 and 0.65218; TOPMed 0.66367; 1000 Genomes Project 30x 0.70815; 1000 Genomes Project 0.71066.
gnomAD v4.1: 510,875 of 812,586 alleles (63%); highest among the groups gnomAD compares: South Asian, 82%; 161,970 homozygotes.

Submission:

Illumina Laboratory Services, Illumina
Classification: Benign for Tay-Sachs disease, variant AB. Last evaluated: 2018-01-13. Review status: criteria provided, single submitter. Criteria: ICSL Variant Classification Criteria 13 December 2019. Collection method: clinical testing. Allele origin: germline.
Comment: This variant was observed in the ICSL laboratory as part of a predisposition screen in an ostensibly healthy population. It had not been previously curated by ICSL or reported in the Human Gene Mutation Database (HGMD: prior to June 1st, 2018), and was therefore a candidate for classification through an automated scoring system. Utilizing variant allele frequency, disease prevalence and penetrance estimates, and inheritance mode, an automated score was calculated to assess if this variant is too frequent to cause the disease. Based on the score and internal cut-off values, a variant classified as benign is not then subjected to further curation. The score for this variant resulted in a classification of benign for this disease.

NM_000405.5(GM2A):c.*944T>C

Gene: GM2A (ganglioside GM2 activator; plus strand). Cytogenetic location: 5q33.1.
Variant type: single nucleotide variant.
Coding change: c.*944T>C on transcript NM_000405.5 (MANE Select); 944 bases downstream of the stop codon, T replaced by C.
Molecular consequence: 3 prime UTR variant.
Genome position (GRCh38, 1-based): chr5:151,268,395, T>C. VCF-style: chr5-151268395-T-C. GRCh37 (hg19) VCF-style: chr5-150647956-T-C.
Other names: c.*755T>C (NM_001167607.3).
Identifiers: ClinVar variation 352277 (VCV000352277.5), dbSNP rs149174, ClinGen allele CA10619754.